The following is an entry in ClinVar:

ClinVar aggregate classification (germline): Uncertain significance (1 of 4 stars; one submission).

Conditions:
Neurofibromatosis, type 1 (NF1). Also called: VON RECKLINGHAUSEN DISEASE; NEUROFIBROMATOSIS, TYPE I, SOMATIC; Peripheral type neurofibromatosis; Neurofibromatosis, type I. Identifiers: Orphanet 636, MedGen C0027831, MONDO:0018975, OMIM 162200. Disease mechanism: loss of function.

Submission:

Labcorp Genetics (formerly Invitae), Labcorp
Classification: Uncertain significance for Neurofibromatosis, type 1. Last evaluated: 2021-09-22. Review status: criteria provided, single submitter. Criteria: Invitae Variant Classification Sherloc (09022015). Collection method: clinical testing. Allele origin: germline.
Comment: This sequence change replaces glutamic acid with alanine at codon 2586 of the NF1 protein (p.Glu2586Ala). The glutamic acid residue is moderately conserved and there is a moderate physicochemical difference between glutamic acid and alanine. This variant is not present in population databases (ExAC no frequency). This variant has not been reported in the literature in individuals affected with NF1-related conditions. Algorithms developed to predict the effect of missense changes on protein structure and function are either unavailable or do not agree on the potential impact of this missense change (SIFT: "Deleterious"; PolyPhen-2: "Probably Damaging"; Align-GVGD: "Class C0"). In summary, the available evidence is currently insufficient to determine the role of this variant in disease. Therefore, it has been classified as a Variant of Uncertain Significance.

NM_001042492.3(NF1):c.7820A>C (p.Glu2607Ala)

Gene: NF1 (neurofibromin 1; plus strand). Cytogenetic location: 17q11.2.
Variant type: single nucleotide variant.
Coding change: c.7820A>C on transcript NM_001042492.3 (MANE Select); coding-DNA position 7820, A replaced by C.
Protein change: p.Glu2607Ala; replaces glutamic acid 2607 with alanine.
Molecular consequence: missense variant.
Genome position (GRCh38, 1-based): chr17:31,357,041, A>C. VCF-style: chr17-31357041-A-C. GRCh37 (hg19) VCF-style: chr17-29684059-A-C.
Other names: c.7757A>C, p.Glu2586Ala (NM_000267.4); short protein forms E2586A, E2607A.
Identifiers: ClinVar variation 1505636 (VCV001505636.6), dbSNP rs1597866483, ClinGen allele CA399018566.